The following is an entry in ClinVar:

ClinVar aggregate classification (germline): Benign. Review status: criteria provided, multiple submitters, no conflicts (2 of 4 stars). 11 submissions from 11 submitters: Benign (9). 2 of the submissions do not count toward it. Last evaluated 2026-09-21.

Conditions:
Familial aortopathy. Identifiers: MedGen CN078214.
Ehlers-Danlos syndrome, type 4 (EDSVASC). Also called: Ehlers-Danlos syndrome vascular type; Ehlers Danlos syndrome, ecchymotic type; Ehlers Danlos syndrome, arterial type; Ehlers Danlos syndrome, Sack-Barabas type; Ehlers-Danlos Syndrome Type IV. Identifiers: Orphanet 286, MedGen C0268338, MONDO:0017314, OMIM 130050.

Allele frequency attached by ClinVar (database versions not stated): ExAC 0.06452; gnomAD exomes 0.03264 and 0.05655; gnomAD 0.12730 and 0.13320; ESP Exome Variant Server 0.14073; TOPMed 0.14215; 1000 Genomes Project 0.16254; 1000 Genomes Project 30x 0.16677.
gnomAD v4.1: 68,149 of 1,613,044 alleles (4.2%); highest among the groups gnomAD compares: African/African-American, 38%; 6,164 homozygotes.

Submissions (11):

Molecular Diagnostic Laboratory for Inherited Cardiovascular Disease, Montreal Heart Institute
Classification: Benign. Last evaluated: 2026-09-21. Review status: criteria provided, single submitter. Criteria: ACMG Guidelines, 2015. Collection method: clinical testing. Allele origin: germline. Affected: no.
Comment: BA1

Labcorp Genetics (formerly Invitae), Labcorp
Classification: Benign for Ehlers-Danlos syndrome, type 4. Last evaluated: 2026-02-04. Review status: criteria provided, single submitter. Criteria: Invitae Variant Classification Sherloc (09022015). Collection method: clinical testing. Allele origin: germline.

Blueprint Genetics
Classification: Benign. Last evaluated: 2024-11-26. Review status: criteria provided, single submitter. Criteria: ACMG Guidelines, 2015. Collection method: clinical testing. Allele origin: germline.

Illumina Laboratory Services, Illumina
Classification: Benign for Ehlers-Danlos syndrome, type 4. Last evaluated: 2018-01-12. Review status: criteria provided, single submitter. Criteria: ICSL Variant Classification Criteria 13 December 2019. Collection method: clinical testing. Allele origin: germline.
Comment: This variant was observed in the ICSL laboratory as part of a predisposition screen in an ostensibly healthy population. It had not been previously curated by ICSL or reported in the Human Gene Mutation Database (HGMD: prior to June 1st, 2018), and was therefore a candidate for classification through an automated scoring system. Utilizing variant allele frequency, disease prevalence and penetrance estimates, and inheritance mode, an automated score was calculated to assess if this variant is too frequent to cause the disease. Based on the score and internal cut-off values, a variant classified as benign is not then subjected to further curation. The score for this variant resulted in a classification of benign for this disease.

Laboratory for Molecular Medicine, Mass General Brigham Personalized Medicine
Classification: Benign. Last evaluated: 2013-04-04. Review status: criteria provided, single submitter. Criteria: LMM Criteria. Collection method: clinical testing. Allele origin: germline. Observed: 3 variant alleles.
Comment: 1293+15T>A in intron 18 of COL3A1: This variant is not expected to have clinical significance because it is not located within the conserved splice consensus se quence. It has been identified in 37.0% (1631/4404) of African American chromoso mes from a broad population by the NHLBI Exome Sequencing Project (.; dbSNP rs2271679).

GeneDx
Classification: Benign. Last evaluated: 2012-11-05. Review status: criteria provided, single submitter. Criteria: GeneDx Variant Classification (06012015). Collection method: clinical testing. Allele origin: germline. Affected: yes.
Comment: This variant is considered likely benign or benign based on one or more of the following criteria: it is a conservative change, it occurs at a poorly conserved position in the protein, it is predicted to be benign by multiple in silico algorithms, and/or has population frequency not consistent with disease.

Women's Health and Genetics/Laboratory Corporation of America, LabCorp
Classification: Benign for Aortopathy. Last evaluated: 2011-08-18. Review status: criteria provided, single submitter. Criteria: LabCorp Variant Classification Summary - May 2015. Collection method: curation. Allele origin: germline. Inheritance: autosomal unknown. Affected: yes.
ClinVar note: Converted during submission from benign to Benign.

Breakthrough Genomics
Classification: Benign. Review status: criteria provided, single submitter. Criteria: ACMG Guidelines, 2015. Collection method: not provided. Allele origin: germline. Inheritance: Autosomal recessive inheritance. Affected: yes.

PreventionGenetics, part of Exact Sciences
Classification: Benign. Review status: criteria provided, single submitter. Criteria: ACMG Guidelines, 2015. Collection method: clinical testing. Allele origin: germline.

Clinical Genetics DNA and cytogenetics Diagnostics Lab, Erasmus MC, Erasmus Medical Center
Classification: Benign. Review status: no assertion criteria provided. Collection method: clinical testing. Allele origin: germline. Affected: yes. Study: VKGL Data-share Consensus. Not counted in ClinVar's aggregate classification.

Genome Diagnostics Laboratory, Amsterdam University Medical Center
Classification: Benign. Review status: no assertion criteria provided. Collection method: clinical testing. Allele origin: germline. Affected: yes. Study: VKGL Data-share Consensus. Not counted in ClinVar's aggregate classification.

NM_000090.4(COL3A1):c.1293+15T>A

Gene: COL3A1 (collagen type III alpha 1 chain; plus strand). Cytogenetic location: 2q32.2.
Variant type: single nucleotide variant.
Coding change: c.1293+15T>A on transcript NM_000090.4 (MANE Select); 15 bases into the intron after coding-DNA position 1293, T replaced by A.
Molecular consequence: intron variant.
Genome position (GRCh38, 1-based): chr2:188,994,347, T>A. VCF-style: chr2-188994347-T-A. GRCh37 (hg19) VCF-style: chr2-189859073-T-A.
Identifiers: ClinVar variation 35961 (VCV000035961.24), dbSNP rs2271679, ClinGen allele CA004199.
Genomic context (GRCh38, chr2:188,994,347, plus strand): 5'-AGGACCAGCCGGTGCTAATGGTGCTCCTGGACTGCGAGGTGGTGCAGTAAGTTGCCTTGT[T>A]TTTTCTCTGTTGACTGAAAGGTATAGTTTAATTCCATCAACAAAAAATTAATAGCAAAAT-3'